The following is an entry in ClinVar:

NM_001253697.2(ERBIN):c.310A>G (p.Ile104Val)

Gene: ERBIN (erbb2 interacting protein; plus strand). Cytogenetic location: 5q12.3.
Variant type: single nucleotide variant.
Coding change: c.310A>G on transcript NM_001253697.2 (MANE Select); coding-DNA position 310, A replaced by G.
Protein change: p.Ile104Val; replaces isoleucine 104 with valine.
Molecular consequence: missense variant.
Genome position (GRCh38, 1-based): chr5:66,012,051, A>G. VCF-style: chr5-66012051-A-G. GRCh37 (hg19) VCF-style: chr5-65307879-A-G.
Other names: c.310A>G, p.Ile104Val (NM_001006600.3, NM_001253698.2, NM_001253699.2 and 2 more transcripts); short protein forms I104V.
Identifiers: ClinVar variation 4707268 (VCV004707268.1).

ClinVar aggregate classification (germline): Uncertain significance (1 of 4 stars; one submission).

gnomAD v4.1: 2 of 1,592,708 alleles (0.00013%); highest among the groups gnomAD compares: Non-Finnish European, 0.00017%; no homozygotes.

Submission:

Labcorp Genetics (formerly Invitae), Labcorp
Classification: Uncertain significance. Last evaluated: 2025-03-06. Review status: criteria provided, single submitter. Criteria: Invitae Variant Classification Sherloc (09022015). Collection method: clinical testing. Allele origin: germline.
Comment: This sequence change replaces isoleucine, which is neutral and non-polar, with valine, which is neutral and non-polar, at codon 104 of the ERBIN protein (p.Ile104Val). This variant is present in population databases (rs758609897, gnomAD 0.0009%). This variant has not been reported in the literature in individuals affected with ERBIN-related conditions. An algorithm developed to predict the effect of missense changes on protein structure and function (PolyPhen-2) suggests that this variant is likely to be disruptive. In summary, the available evidence is currently insufficient to determine the role of this variant in disease. Therefore, it has been classified as a Variant of Uncertain Significance.